The following is an entry in ClinVar:

ClinVar aggregate classification (germline): Conflicting classifications of pathogenicity. Review status: criteria provided, conflicting classifications (1 of 4 stars). 12 submissions from 12 submitters: Uncertain significance (1); Benign (1); Likely benign (7). 3 of the submissions do not count toward it. Last evaluated 2025-12-27.

Conditions:
Lynch syndrome. Identifiers: Orphanet 144, MedGen C4552100, MONDO:0005835. Disease mechanism: loss of function.
Hereditary cancer-predisposing syndrome. Also called: Tumor predisposition; Neoplastic Syndromes, Hereditary; Hereditary Cancer Syndrome; Hereditary neoplastic syndrome. Identifiers: Orphanet 140162, MedGen C0027672, MeSH D009386, MONDO:0015356.
Hereditary nonpolyposis colorectal neoplasms. Identifiers: MedGen C0009405, MeSH D003123.
Lynch syndrome 5 (LYNCH5). Also called: Colorectal cancer, hereditary nonpolyposis, type 5; Hereditary non-polyposis colorectal cancer, type 5. Identifiers: Orphanet 144, MedGen C1833477, MONDO:0013710, OMIM 614350. Disease mechanism: loss of function.
MSH6-related disorder. Also called: MSH6-Related disorders; MSH6-related condition.

Allele frequency attached by ClinVar (database versions not stated): gnomAD exomes 0.00001; gnomAD 0.00002; TOPMed 0.00002; ESP Exome Variant Server 0.00008.
gnomAD v4.1: 6 of 1,614,056 alleles (0.00037%); highest among the groups gnomAD compares: African/African-American, 0.0053%; no homozygotes.

Submissions (12):

Labcorp Genetics (formerly Invitae), Labcorp
Classification: Likely benign for Hereditary nonpolyposis colorectal neoplasms. Last evaluated: 2025-12-27. Review status: criteria provided, single submitter. Criteria: Invitae Variant Classification Sherloc (09022015). Collection method: clinical testing. Allele origin: germline.

Blueprint Genetics
Classification: Likely benign. Last evaluated: 2024-09-10. Review status: criteria provided, single submitter. Criteria: ACMG Guidelines, 2015. Collection method: clinical testing. Allele origin: germline.

Quest Diagnostics Nichols Institute San Juan Capistrano
Classification: Uncertain significance. Last evaluated: 2024-08-15. Review status: criteria provided, single submitter. Criteria: Quest Diagnostics criteria. Collection method: clinical testing. Allele origin: unknown.
Comment: The MSH6 c.2241G>A (p.Leu747=) synonymous variant has not been reported in individuals with MSH6-related conditions in the published literature. The frequency of this variant in the general population, 0.000072 (3/41438 chromosomes (Genome Aggregation Database)), is uninformative in the assessment of its pathogenicity. Analysis of this variant using software algorithms for the prediction of the effect of nucleotide changes on splicing yielded predictions that this variant does not affect MSH6 mRNA splicing. Based on the available information, we are unable to determine the clinical significance of this variant.

All of Us Research Program, National Institutes of Health
Classification: Likely benign for Lynch syndrome. Last evaluated: 2024-03-24. Review status: criteria provided, single submitter. Criteria: ACMG Guidelines, 2015. Collection method: clinical testing. Allele origin: germline. Inheritance: Autosomal dominant inheritance. Observed: 3 variant alleles, 3 heterozygotes.
Comment: This study involves interpretation of variants in research participants for the purpose of population health screening. Participant phenotype was not available at the time of variant classification. Additional details can be found in publication PMID: 35346344, PMCID: PMC8962531

Myriad Genetics, Inc.
Classification: Benign for Lynch syndrome 5. Last evaluated: 2023-03-28. Review status: criteria provided, single submitter. Criteria: Myriad Autosomal Dominant, Autosomal Recessive and X-Linked Classification Criteria (2023). Collection method: clinical testing. Allele origin: unknown.
Comment: This variant is considered benign. This variant is a silent/synonymous amino acid change and it is not expected to impact splicing.

Women's Health and Genetics/Laboratory Corporation of America, LabCorp
Classification: Likely benign. Last evaluated: 2021-11-20. Review status: criteria provided, single submitter. Criteria: LabCorp Variant Classification Summary - May 2015. Collection method: clinical testing. Allele origin: germline.

GeneDx
Classification: Likely benign. Last evaluated: 2019-12-17. Review status: criteria provided, single submitter. Criteria: GeneDx Variant Classification Process June 2021. Collection method: clinical testing. Allele origin: germline. Affected: yes.

Color Diagnostics, LLC DBA Color Health
Classification: Likely benign for Hereditary cancer-predisposing syndrome. Last evaluated: 2016-05-16. Review status: criteria provided, single submitter. Criteria: ACMG Guidelines, 2015. Collection method: clinical testing. Allele origin: germline.

Ambry Genetics
Classification: Likely benign for Hereditary cancer-predisposing syndrome. Last evaluated: 2015-12-01. Review status: criteria provided, single submitter. Criteria: Ambry Variant Classification Scheme 2023. Collection method: clinical testing. Allele origin: germline.

PreventionGenetics, part of Exact Sciences
Classification: Likely benign for MSH6-related condition. Last evaluated: 2021-11-19. Review status: no assertion criteria provided. Collection method: clinical testing. Allele origin: germline. Not counted in ClinVar's aggregate classification.
Comment: This variant is classified as likely benign based on ACMG/AMP sequence variant interpretation guidelines (Richards et al. 2015 PMID: 25741868, with internal and published modifications).

Counsyl
Classification: Likely benign for Lynch syndrome 5. Last evaluated: 2016-10-26. Review status: no assertion criteria provided. Collection method: clinical testing. Allele origin: unknown. Not counted in ClinVar's aggregate classification.

Department of Pathology and Laboratory Medicine, Sinai Health System
Classification: Likely benign. Review status: no assertion criteria provided. Collection method: clinical testing. Allele origin: unknown. Affected: yes. Study: The Canadian Open Genetics Repository (COGR). Not counted in ClinVar's aggregate classification.
Comment: The MSH6 p.Leu747= variant was not identified in the literature nor was it identified in the following databases: COGR, Cosmic, MutDB, UMD-LSDB, Insight Colon Cancer Gene Variant Database, Zhejiang University Database, Mismatch Repair Genes Variant Database, or the Insight Hereditary Tumors Database. The variant was identified in dbSNP (ID: rs377722465) as â€šÃ„ÃºWith Likely benign alleleâ€šÃ„Ã¹, in ClinVar (as likely benign by Invitae, Counsyl, Ambry Genetics, Color Genomics, and GeneDx), and Clinvitae (3x). The variant was identified in control databases in 14 of 245644 chromosomes at a frequency of 0.00006 (Genome Aggregation Database Feb 27, 2017). The variant was observed in the following populations: European (Non-Finnish) in 11 of 111156 chromosomes (freq: 0.0001), European (Finnish) in 2 of 22296 chromosomes (freq: 0.00009), and African in 1 of 15292 chromosomes (freq: 0.00007); it was not observed in the Ashkenazi Jewish, East Asian, Latino, Other, and South Asian populations. The p.Leu747= variant is not expected to have clinical significance because it does not result in a change of amino acid and is not located in a known consensus splice site. In addition, in silico or computational prediction software programs (SpliceSiteFinder, MaxEntScan, NNSPLICE, GeneSplicer, HumanSpliceFinder) do not predict a difference in splicing. In summary, based on the above information the clinical significance of this variant cannot be determined with certainty at this time although we would lean towards a more benign role for this variant. This variant is classified as likely benign.

NM_000179.3(MSH6):c.2241G>A (p.Leu747=)

Gene: MSH6 (mutS homolog 6; plus strand). Cytogenetic location: 2p16.3.
Variant type: single nucleotide variant.
Coding change: c.2241G>A on transcript NM_000179.3 (MANE Select); coding-DNA position 2241, G replaced by A.
Protein change: p.Leu747=; no amino-acid change (leucine 747 retained).
Molecular consequence: synonymous variant.
Genome position (GRCh38, 1-based): chr2:47,800,224, G>A. VCF-style: chr2-47800224-G-A. GRCh37 (hg19) VCF-style: chr2-48027363-G-A.
Other names: c.1851G>A, p.Leu617= (NM_001281492.2); c.1335G>A, p.Leu445= (NM_001281493.2, NM_001281494.2).
Identifiers: ClinVar variation 220247 (VCV000220247.31), dbSNP rs377722465, ClinGen allele CA348015.